The following is an entry in ClinVar:

ClinVar aggregate classification (germline): Uncertain significance (1 of 4 stars; one submission).

Conditions:
Inborn genetic diseases. Identifiers: MedGen C0950123, MeSH D030342.

gnomAD v4.1: 10 of 1,614,198 alleles (0.00062%); highest among the groups gnomAD compares: South Asian, 0.011%; no homozygotes.

Submission:

Ambry Genetics
Classification: Uncertain significance for Inborn genetic diseases. Last evaluated: 2025-04-09. Review status: criteria provided, single submitter. Criteria: Ambry Variant Classification Scheme 2023. Collection method: clinical testing. Allele origin: germline.
Comment: The p.V514L variant (also known as c.1540G>C), located in coding exon 11 of the BMPR2 gene, results from a G to C substitution at nucleotide position 1540. The valine at codon 514 is replaced by leucine, an amino acid with highly similar properties. This amino acid position is conserved. In addition, the in silico prediction for this alteration is inconclusive. Based on the available evidence, the clinical significance of this variant remains unclear.

NM_001204.7(BMPR2):c.1540G>C (p.Val514Leu)

Gene: BMPR2 (bone morphogenetic protein receptor type 2; plus strand). Cytogenetic location: 2q33.2.
Variant type: single nucleotide variant.
Coding change: c.1540G>C on transcript NM_001204.7 (MANE Select); coding-DNA position 1540, G replaced by C.
Protein change: p.Val514Leu; replaces valine 514 with leucine.
Molecular consequence: missense variant.
Genome position (GRCh38, 1-based): chr2:202,552,842, G>C. VCF-style: chr2-202552842-G-C. GRCh37 (hg19) VCF-style: chr2-203417565-G-C.
Other names: short protein forms V514L.
Identifiers: ClinVar variation 3992048 (VCV003992048.1).